The following is an entry in ClinVar:

ClinVar aggregate classification (germline): Uncertain significance (1 of 4 stars; one submission).

Submission:

Ambry Genetics
Classification: Uncertain significance. Last evaluated: 2024-09-15. Review status: criteria provided, single submitter. Criteria: Ambry Variant Classification Scheme 2023. Collection method: clinical testing. Allele origin: germline.
Comment: The p.M470R variant (also known as c.1409T>G), located in coding exon 1 of the MLH3 gene, results from a T to G substitution at nucleotide position 1409. The methionine at codon 470 is replaced by arginine, an amino acid with similar properties. This amino acid position is conserved. In addition, this alteration is predicted to be tolerated by in silico analysis. Based on the available evidence, the clinical significance of this variant remains unclear.

NM_001040108.2(MLH3):c.1409T>G (p.Met470Arg)

Gene: MLH3 (mutL homolog 3; minus strand). Cytogenetic location: 14q24.3.
Variant type: single nucleotide variant.
Coding change: c.1409T>G on transcript NM_001040108.2 (MANE Select); coding-DNA position 1409, T replaced by G.
Protein change: p.Met470Arg; replaces methionine 470 with arginine.
Molecular consequence: missense variant.
Genome position (GRCh38, 1-based): chr14:75,048,247, A>C on the plus strand (T>G on the coding strand, the complement: MLH3 is on the minus strand). VCF-style: chr14-75048247-A-C. GRCh37 (hg19) VCF-style: chr14-75514950-A-C.
Other names: c.1409T>G, p.Met470Arg (NM_014381.3); short protein forms M470R.
Identifiers: ClinVar variation 3396717 (VCV003396717.1).
Genomic context (GRCh38, chr14:75,048,247, plus strand): 5'-GATTTTTTATGTTTCTCATTTTCTCCAGCTTCTGATGCTACAATTGTCTCTTGTTCTAAC[A>C]TCTTTGATTCTGAGCAAGAGCTGTCTTTGTTTTGTAAAGATGGCTCTGTCATTTTGCTAT-3'
Protein context (NP_001035197.1, residues 460-480): NKDSSCSESK[Met470Arg]LEQETIVASE